The following is an entry in ClinVar:

NM_001039958.2(MESP2):c.145C>T (p.Arg49Cys)

Gene: MESP2 (mesoderm posterior bHLH transcription factor 2; plus strand). Cytogenetic location: 15q26.1.
Variant type: single nucleotide variant.
Coding change: c.145C>T on transcript NM_001039958.2 (MANE Select); coding-DNA position 145, C replaced by T.
Protein change: p.Arg49Cys; replaces arginine 49 with cysteine.
Molecular consequence: missense variant.
Genome position (GRCh38, 1-based): chr15:89,776,502, C>T. VCF-style: chr15-89776502-C-T. GRCh37 (hg19) VCF-style: chr15-90319733-C-T.
Other names: c.145C>T (NM_001039958.1); short protein forms R49C.
Identifiers: ClinVar variation 2080218 (VCV002080218.2), dbSNP rs934681838, ClinGen allele CA274596785.
Genomic context (GRCh38, chr15:89,776,502, plus strand): 5'-GACTCCACGTCCCCGGCCTCCTCCTCCGATTCGTCGGGTTCGTGCCCCTGCGACGGCGCC[C>T]GCGGACTCCCGCAGCCACAGCCTCCGAGCTGCAGCTCCCGAGCCGCAGAGGCAGCCGCGA-3'
Protein context (NP_001035047.1, residues 39-59): SSGSCPCDGA[Arg49Cys]GLPQPQPPSC

ClinVar aggregate classification (germline): Uncertain significance. Review status: criteria provided, multiple submitters, no conflicts (2 of 4 stars). 2 submissions from 2 submitters: Uncertain significance (2). Last evaluated 2025-06-24.

Conditions:
Inborn genetic diseases. Identifiers: MedGen C0950123, MeSH D030342.

Allele frequency attached by ClinVar (database versions not stated): TOPMed 0.00004; gnomAD 0.00002.
gnomAD v4.1: 66 of 1,533,198 alleles (0.0043%); highest among the groups gnomAD compares: Non-Finnish European, 0.0056%; no homozygotes.

Submissions (2):

Ambry Genetics
Classification: Uncertain significance for Inborn genetic diseases. Last evaluated: 2025-06-24. Review status: criteria provided, single submitter. Criteria: Ambry Variant Classification Scheme 2023. Collection method: clinical testing. Allele origin: germline.

Labcorp Genetics (formerly Invitae), Labcorp
Classification: Uncertain significance. Last evaluated: 2021-08-27. Review status: criteria provided, single submitter. Criteria: Invitae Variant Classification Sherloc (09022015). Collection method: clinical testing. Allele origin: germline.
Comment: This sequence change replaces arginine with cysteine at codon 49 of the MESP2 protein (p.Arg49Cys). The arginine residue is moderately conserved and there is a large physicochemical difference between arginine and cysteine. The frequency data for this variant in the population databases is considered unreliable, as metrics indicate insufficient coverage at this position in the ExAC database. This variant has not been reported in the literature in individuals affected with MESP2-related conditions. Algorithms developed to predict the effect of missense changes on protein structure and function are either unavailable or do not agree on the potential impact of this missense change (SIFT: "Deleterious"; PolyPhen-2: "Benign"; Align-GVGD: "Class C0"). In summary, the available evidence is currently insufficient to determine the role of this variant in disease. Therefore, it has been classified as a Variant of Uncertain Significance.